The following is an entry in ClinVar:

ClinVar aggregate classification (germline): Uncertain significance. Review status: criteria provided, multiple submitters, no conflicts (2 of 4 stars). 2 submissions from 2 submitters: Uncertain significance (2). Last evaluated 2023-06-17.

Allele frequency attached by ClinVar (database versions not stated): gnomAD exomes 0.00010.
gnomAD v4.1: 9 of 81,054 alleles (0.011%); highest among the groups gnomAD compares: Middle Eastern, 0.46%; no homozygotes.

Submissions (2):

Labcorp Genetics (formerly Invitae), Labcorp
Classification: Uncertain significance. Last evaluated: 2023-06-17. Review status: criteria provided, single submitter. Criteria: Invitae Variant Classification Sherloc (09022015). Collection method: clinical testing. Allele origin: germline.
Comment: In summary, the available evidence is currently insufficient to determine the role of this variant in disease. Therefore, it has been classified as a Variant of Uncertain Significance. An algorithm developed to predict the effect of missense changes on protein structure and function (PolyPhen-2) suggests that this variant is likely to be tolerated. This variant has not been reported in the literature in individuals affected with AHDC1-related conditions. This variant is not present in population databases (gnomAD no frequency). This sequence change replaces arginine, which is basic and polar, with glutamine, which is neutral and polar, at codon 36 of the AHDC1 protein (p.Arg36Gln).

CeGaT Center for Human Genetics Tuebingen
Classification: Uncertain significance. Last evaluated: 2022-12-01. Review status: criteria provided, single submitter. Criteria: CeGaT Center For Human Genetics Tuebingen Variant Classification Criteria Version 2. Collection method: clinical testing. Allele origin: germline. Affected: yes. Observed: 1 variant allele.
Comment: AHDC1: PM2

NM_001371928.1(AHDC1):c.107G>A (p.Arg36Gln)

Gene: AHDC1 (AT-hook DNA binding motif containing 1; minus strand). Cytogenetic location: 1p36.11.
Variant type: single nucleotide variant.
Coding change: c.107G>A on transcript NM_001371928.1 (MANE Select); coding-DNA position 107, G replaced by A.
Protein change: p.Arg36Gln; replaces arginine 36 with glutamine.
Molecular consequence: missense variant.
Genome position (GRCh38, 1-based): chr1:27,552,009, C>T on the plus strand (G>A on the coding strand, the complement: AHDC1 is on the minus strand). VCF-style: chr1-27552009-C-T. GRCh37 (hg19) VCF-style: chr1-27878520-C-T.
Other names: c.107G>A, p.Arg36Gln (NM_001029882.3); short protein forms R36Q.
Identifiers: ClinVar variation 2638577 (VCV002638577.27), dbSNP rs1007622387, ClinGen allele CA339238471.